The following is an entry in ClinVar:

NM_000368.5(TSC1):c.2885T>G (p.Ile962Ser)

Gene: TSC1 (TSC complex subunit 1; minus strand). Cytogenetic location: 9q34.13.
Variant type: single nucleotide variant.
Coding change: c.2885T>G on transcript NM_000368.5 (MANE Select); coding-DNA position 2885, T replaced by G.
Protein change: p.Ile962Ser; replaces isoleucine 962 with serine.
Molecular consequence: missense variant.
Genome position (GRCh38, 1-based): chr9:132,897,274, A>C on the plus strand (T>G on the coding strand, the complement: TSC1 is on the minus strand). VCF-style: chr9-132897274-A-C. GRCh37 (hg19) VCF-style: chr9-135772661-A-C.
Other names: c.2882T>G, p.Ile961Ser (NM_001162426.2); c.2732T>G, p.Ile911Ser (NM_001162427.2); c.2522T>G, p.Ile841Ser (NM_001362177.2); short protein forms I962S, I841S, I961S, I911S.
Identifiers: ClinVar variation 466103 (VCV000466103.9), dbSNP rs1438535722, ClinGen allele CA375368787.

ClinVar aggregate classification (germline): Uncertain significance. Review status: criteria provided, multiple submitters, no conflicts (2 of 4 stars). 2 submissions from 2 submitters: Uncertain significance (2). Last evaluated 2024-10-11.

Conditions:
Tuberous sclerosis 1 (TSC1). Identifiers: Orphanet 805, MedGen C1854465, MONDO:0008612, OMIM 191100.
Hereditary cancer-predisposing syndrome. Also called: Hereditary neoplastic syndrome; Neoplastic Syndromes, Hereditary; Tumor predisposition; Hereditary Cancer Syndrome. Identifiers: Orphanet 140162, MedGen C0027672, MeSH D009386, MONDO:0015356.

Allele frequency attached by ClinVar (database versions not stated): gnomAD exomes below 0.00001; TOPMed below 0.00001; gnomAD 0.00001.
gnomAD v4.1: 5 of 1,614,014 alleles (0.00031%); highest among the groups gnomAD compares: Non-Finnish European, 0.00042%; no homozygotes.

Submissions (2):

Ambry Genetics
Classification: Uncertain significance for Hereditary cancer-predisposing syndrome. Last evaluated: 2024-10-11. Review status: criteria provided, single submitter. Criteria: Ambry Variant Classification Scheme 2023. Collection method: clinical testing. Allele origin: germline.
Comment: The p.I962S variant (also known as c.2885T>G), located in coding exon 20 of the TSC1 gene, results from a T to G substitution at nucleotide position 2885. The isoleucine at codon 962 is replaced by serine, an amino acid with dissimilar properties. This amino acid position is conserved. In addition, this alteration is predicted to be deleterious by in silico analysis. Based on the available evidence, the clinical significance of this variant remains unclear.

Labcorp Genetics (formerly Invitae), Labcorp
Classification: Uncertain significance for Tuberous sclerosis 1. Last evaluated: 2023-08-02. Review status: criteria provided, single submitter. Criteria: Invitae Variant Classification Sherloc (09022015). Collection method: clinical testing. Allele origin: germline.
Comment: In summary, the available evidence is currently insufficient to determine the role of this variant in disease. Therefore, it has been classified as a Variant of Uncertain Significance. Advanced modeling of protein sequence and biophysical properties (such as structural, functional, and spatial information, amino acid conservation, physicochemical variation, residue mobility, and thermodynamic stability) performed at Invitae indicates that this missense variant is not expected to disrupt TSC1 protein function. ClinVar contains an entry for this variant (Variation ID: 466103). This variant has not been reported in the literature in individuals affected with TSC1-related conditions. This variant is not present in population databases (gnomAD no frequency). This sequence change replaces isoleucine, which is neutral and non-polar, with serine, which is neutral and polar, at codon 962 of the TSC1 protein (p.Ile962Ser).